The following is an entry in ClinVar:

ClinVar aggregate classification (germline): Benign/Likely benign. Review status: criteria provided, multiple submitters, no conflicts (2 of 4 stars). 5 submissions from 5 submitters: Benign (2); Likely benign (3). Last evaluated 2026-01-11.

Conditions:
Age related macular degeneration 1 (ARMD1). Also called: MACULOPATHY, AGE-RELATED, 1. Identifiers: MedGen C1864205, MONDO:0011285, OMIM 603075.

Allele frequency attached by ClinVar (database versions not stated): ESP Exome Variant Server 0.00054; 1000 Genomes Project 30x 0.00141; TOPMed 0.00172; 1000 Genomes Project 0.00180; gnomAD exomes 0.00217 and 0.00402; gnomAD 0.00321 and 0.00333; ExAC 0.00345.
gnomAD v4.1: 3,639 of 1,611,248 alleles (0.23%); highest among the groups gnomAD compares: East Asian, 0.85%; 21 homozygotes.

Submissions (5):

Labcorp Genetics (formerly Invitae), Labcorp
Classification: Benign. Last evaluated: 2026-01-11. Review status: criteria provided, single submitter. Criteria: Invitae Variant Classification Sherloc (09022015). Collection method: clinical testing. Allele origin: germline.

Genome-Nilou Lab
Classification: Benign for Age related macular degeneration 1. Last evaluated: 2023-04-11. Review status: criteria provided, single submitter. Criteria: ACMG Guidelines, 2015. Collection method: clinical testing. Allele origin: germline. Affected: no.

CeGaT Center for Human Genetics Tuebingen
Classification: Likely benign. Last evaluated: 2023-01-01. Review status: criteria provided, single submitter. Criteria: CeGaT Center For Human Genetics Tuebingen Variant Classification Criteria Version 2. Collection method: clinical testing. Allele origin: germline. Affected: yes. Observed: 2 variant alleles.
Comment: HMCN1: BP4, BP7, BS2

Illumina Laboratory Services, Illumina
Classification: Likely benign for Age related macular degeneration 1. Last evaluated: 2018-01-13. Review status: criteria provided, single submitter. Criteria: ICSL Variant Classification Criteria 13 December 2019. Collection method: clinical testing. Allele origin: germline.
Comment: This variant was observed in the ICSL laboratory as part of a predisposition screen in an ostensibly healthy population. It had not been previously curated by ICSL or reported in the Human Gene Mutation Database (HGMD: prior to June 1st, 2018), and was therefore a candidate for classification through an automated scoring system. Utilizing variant allele frequency, disease prevalence and penetrance estimates, and inheritance mode, an automated score was calculated to assess if this variant is too frequent to cause the disease. Based on the score and internal cut-off values, a variant classified as likely benign is not then subjected to further curation. The score for this variant resulted in a classification of likely benign for this disease.

Breakthrough Genomics
Classification: Likely benign. Review status: criteria provided, single submitter. Criteria: ACMG Guidelines, 2015. Collection method: not provided. Allele origin: germline. Inheritance: Autosomal dominant inheritance. Affected: yes.

NM_031935.3(HMCN1):c.7494G>A (p.Thr2498=)

Gene: HMCN1 (hemicentin 1; plus strand). Cytogenetic location: 1q31.1.
Variant type: single nucleotide variant.
Coding change: c.7494G>A on transcript NM_031935.3 (MANE Select); coding-DNA position 7494, G replaced by A.
Protein change: p.Thr2498=; no amino-acid change (threonine 2498 retained).
Molecular consequence: synonymous variant.
Genome position (GRCh38, 1-based): chr1:186,062,581, G>A. VCF-style: chr1-186062581-G-A. GRCh37 (hg19) VCF-style: chr1-186031713-G-A.
Identifiers: ClinVar variation 294187 (VCV000294187.39), dbSNP rs148467349, ClinGen allele CA1292853.